The following is an entry in ClinVar:

GRCh38/hg38 22q11.21(chr22:18339130-21454720)x1

Genes: AIFM3 (AIF family member 3; plus strand), ARVCF (ARVCF delta catenin family member; minus strand), C22orf39 (chromosome 22 open reading frame 39; minus strand), CCDC188 (coiled-coil domain containing 188; minus strand), CDC45 (cell division cycle 45; plus strand) and 195 more. Cytogenetic location: 22q11.21.
Variant type: copy number loss.
Change: copy number 1 (one copy instead of two) of chr22:18,339,130-21,454,720 (3.12 Mb, GRCh38 coordinates, 1-based), cytogenetic band 22q11.21.
Identifiers: ClinVar variation 161048 (VCV000161048.1).

ClinVar aggregate classification (germline): Pathogenic (1 of 4 stars; one submission).

Submission:

ISCA site 4
Classification: Pathogenic. Last evaluated: 2011-08-12. Review status: criteria provided, single submitter. Criteria: Kaminsky et al. (Genet Med. 2011). Collection method: clinical testing. Allele origin: unknown. Affected: yes. Observed: 1 variant allele.
Comment: Copy number variation identified through the course of routine clinical cytogenomic testing in postnatal populations. Clinical assertions have been curated as described in Kaminsky et al. 2011.